The following is an entry in ClinVar:

GRCh38/hg38 8p11.21-11.1(chr8:43103284-43533090)x3

Genes: HGSNAT (heparan-alpha-glucosaminide N-acetyltransferase; plus strand), POMK (protein O-mannose kinase; plus strand), POTEA (POTE ankyrin domain family member A (gene/pseudogene); plus strand), LOC121740716 (Sharpr-MPRA regulatory region 5985; plus strand), LOC130000316 (ATAC-STARR-seq lymphoblastoid silent region 19164; plus strand) and 5 more. Cytogenetic location: 8p11.21-11.1.
Variant type: copy number gain.
Change: copy number 3 (three copies instead of two) of chr8:43,103,284-43,533,090 (429.8 kb, GRCh38 coordinates, 1-based), cytogenetic band 8p11.21-11.1.
Identifiers: ClinVar variation 152192 (VCV000152192.1).

ClinVar aggregate classification (germline): Benign/Likely benign (0 of 4 stars; one submission).

Submission:

GeneDx
Classification: Benign/Likely benign. Last evaluated: 2011-04-30. Review status: no assertion criteria provided. Collection method: clinical testing. Allele origin: not provided. Affected: yes. Observed: 5 variant alleles. Clinical features observed: Developmental delay AND/OR other significant developmental or morphological phenotypes.
Comment: Likely benign (1), Benign (4)